The following is an entry in ClinVar:

ClinVar aggregate classification (germline): Uncertain significance. Review status: criteria provided, multiple submitters, no conflicts (2 of 4 stars). 2 submissions from 2 submitters: Uncertain significance (2). Last evaluated 2023-05-25.

Conditions:
Neurofibromatosis, type 1 (NF1). Also called: Peripheral type neurofibromatosis; VON RECKLINGHAUSEN DISEASE; Neurofibromatosis, type I; NEUROFIBROMATOSIS, TYPE I, SOMATIC. Identifiers: Orphanet 636, MedGen C0027831, MONDO:0018975, OMIM 162200. Disease mechanism: loss of function.
Juvenile myelomonocytic leukemia (JMML). Also called: LEUKEMIA, JUVENILE MYELOMONOCYTIC, SOMATIC. Identifiers: Orphanet 86834, MedGen C0349639, MONDO:0011908, OMIM 607785, HP:0012209.

Allele frequency attached by ClinVar (database versions not stated): TOPMed below 0.00001.

Submissions (2):

Baylor Genetics
Classification: Uncertain significance for Juvenile myelomonocytic leukemia. Last evaluated: 2023-05-25. Review status: criteria provided, single submitter. Criteria: ACMG Guidelines, 2015. Collection method: clinical testing. Allele origin: unknown.

Labcorp Genetics (formerly Invitae), Labcorp
Classification: Uncertain significance for Neurofibromatosis, type 1. Last evaluated: 2019-12-11. Review status: criteria provided, single submitter. Criteria: Invitae Variant Classification Sherloc (09022015). Collection method: clinical testing. Allele origin: germline.
Comment: This variant has not been reported in the literature in individuals with NF1-related conditions. This variant is not present in population databases (ExAC no frequency). This sequence change replaces arginine with tryptophan at codon 1136 of the NF1 protein (p.Arg1136Trp). The arginine residue is moderately conserved and there is a moderate physicochemical difference between arginine and tryptophan. Algorithms developed to predict the effect of missense changes on protein structure and function are either unavailable or do not agree on the potential impact of this missense change (SIFT: "Deleterious"; PolyPhen-2: "Probably Damaging"; Align-GVGD: "Class C0"). In summary, the available evidence is currently insufficient to determine the role of this variant in disease. Therefore, it has been classified as a Variant of Uncertain Significance.

NM_001042492.3(NF1):c.3406C>T (p.Arg1136Trp)

Gene: NF1 (neurofibromin 1; plus strand). Cytogenetic location: 17q11.2.
Variant type: single nucleotide variant.
Coding change: c.3406C>T on transcript NM_001042492.3 (MANE Select); coding-DNA position 3406, C replaced by T.
Protein change: p.Arg1136Trp; replaces arginine 1136 with tryptophan.
Molecular consequence: missense variant.
Genome position (GRCh38, 1-based): chr17:31,232,791, C>T. VCF-style: chr17-31232791-C-T. GRCh37 (hg19) VCF-style: chr17-29559809-C-T.
Other names: c.3406C>T, p.Arg1136Trp (NM_000267.4); short protein forms R1136W.
Identifiers: ClinVar variation 841037 (VCV000841037.7), dbSNP rs1341314304, ClinGen allele CA398989163.